The following is an entry in ClinVar:

ClinVar aggregate classification (germline): Pathogenic/Likely pathogenic. Review status: criteria provided, multiple submitters, no conflicts (2 of 4 stars). 4 submissions from 4 submitters: Pathogenic (2); Likely pathogenic (1). 1 of the submissions does not count toward it. Last evaluated 2024-11-12.

Conditions:
SPTB-related disorder. Also called: SPTB-Related Disorders; SPTB-related condition.

Submissions (4):

Revvity Omics, Revvity
Classification: Likely pathogenic. Last evaluated: 2024-11-12. Review status: criteria provided, single submitter. Criteria: ACMG Guidelines, 2015. Collection method: clinical testing. Allele origin: germline.

Labcorp Genetics (formerly Invitae), Labcorp
Classification: Pathogenic. Last evaluated: 2024-09-04. Review status: criteria provided, single submitter. Criteria: Invitae Variant Classification Sherloc (09022015). Collection method: clinical testing. Allele origin: germline.
Comment: This sequence change creates a premature translational stop signal (p.Gln1131*) in the SPTB gene. It is expected to result in an absent or disrupted protein product. Loss-of-function variants in SPTB are known to be pathogenic (PMID: 1391962, 1498324, 8844207, 26830532, 27292444). This variant is not present in population databases (gnomAD no frequency). This variant has not been reported in the literature in individuals affected with SPTB-related conditions. ClinVar contains an entry for this variant (Variation ID: 993594). For these reasons, this variant has been classified as Pathogenic.

ARUP Laboratories, Molecular Genetics and Genomics, ARUP Laboratories
Classification: Pathogenic. Last evaluated: 2019-10-31. Review status: criteria provided, single submitter. Criteria: ARUP Molecular Germline Variant Investigation Process. Collection method: clinical testing. Allele origin: germline.

PreventionGenetics, part of Exact Sciences
Classification: Pathogenic for SPTB-related condition. Last evaluated: 2024-04-23. Review status: no assertion criteria provided. Collection method: clinical testing. Allele origin: germline. Not counted in ClinVar's aggregate classification.
Comment: The SPTB c.3391C>T variant is predicted to result in premature protein termination (p.Gln1131*). To our knowledge, this variant has not been reported in the literature or in a large population database, indicating this variant is rare. Nonsense variants in SPTB are expected to be pathogenic. This variant is interpreted as pathogenic.

Literature cited by the submitters: PubMed 1391962 (cited by Labcorp Genetics (formerly Invitae), Labcorp); PubMed 1498324 (cited by Labcorp Genetics (formerly Invitae), Labcorp); PubMed 8844207 (cited by Labcorp Genetics (formerly Invitae), Labcorp); PubMed 26830532 (cited by Labcorp Genetics (formerly Invitae), Labcorp); PubMed 27292444 (cited by Labcorp Genetics (formerly Invitae), Labcorp).

NM_001355436.2(SPTB):c.3391C>T (p.Gln1131Ter)

Gene: SPTB (spectrin beta, erythrocytic; minus strand). Cytogenetic location: 14q23.3.
Variant type: single nucleotide variant.
Coding change: c.3391C>T on transcript NM_001355436.2 (MANE Select); coding-DNA position 3391, C replaced by T.
Protein change: p.Gln1131Ter; replaces glutamine 1131 with a stop codon.
Molecular consequence: nonsense.
Genome position (GRCh38, 1-based): chr14:64,786,574, G>A on the plus strand (C>T on the coding strand, the complement: SPTB is on the minus strand). VCF-style: chr14-64786574-G-A. GRCh37 (hg19) VCF-style: chr14-65253292-G-A.
Other names: c.3391C>T, p.Gln1131Ter (NM_001024858.4, NM_001355437.2); c.3391C>T (NM_001024858.2); short protein forms Q1131*.
Identifiers: ClinVar variation 993594 (VCV000993594.12), dbSNP rs2082573854, ClinGen allele CA390046596.